The following is an entry in ClinVar:

ClinVar aggregate classification (germline): Uncertain significance. Review status: criteria provided, multiple submitters, no conflicts (2 of 4 stars). 3 submissions from 3 submitters: Uncertain significance (3). Last evaluated 2025-11-13.

Conditions:
Pitt-Hopkins-like syndrome 2 (PTHSL2). Identifiers: Orphanet 221150, Orphanet 600663, MedGen C3280479, MONDO:0013690, OMIM 614325.

Allele frequency attached by ClinVar (database versions not stated): TOPMed 0.00002.
gnomAD v4.1: 72 of 1,597,094 alleles (0.0045%); highest among the groups gnomAD compares: Non-Finnish European, 0.0057%; no homozygotes.

Submissions (3):

Labcorp Genetics (formerly Invitae), Labcorp
Classification: Uncertain significance for Pitt-Hopkins-like syndrome 2. Last evaluated: 2025-11-13. Review status: criteria provided, single submitter. Criteria: Invitae Variant Classification Sherloc (09022015). Collection method: clinical testing. Allele origin: germline.
Comment: This sequence change replaces glycine, which is neutral and non-polar, with arginine, which is basic and polar, at codon 213 of the NRXN1 protein (p.Gly213Arg). This variant is present in population databases (rs199561088, gnomAD 0.02%). This variant has not been reported in the literature in individuals affected with NRXN1-related conditions. ClinVar contains an entry for this variant (Variation ID: 206256). An algorithm developed to predict the effect of missense changes on protein structure and function (PolyPhen-2) suggests that this variant is likely to be disruptive. In summary, the available evidence is currently insufficient to determine the role of this variant in disease. Therefore, it has been classified as a Variant of Uncertain Significance.

GeneDx
Classification: Uncertain significance. Last evaluated: 2018-07-17. Review status: criteria provided, single submitter. Criteria: GeneDx Variant Classification (06012015). Collection method: clinical testing. Allele origin: germline. Affected: yes.
Comment: A variant of uncertain significance has been identified in the NRXN1 gene. The G213R variant has not been published as a pathogenic variant, nor has it been reported as a benign variant to our knowledge. The G213R variant is observed in 17/107626 (0.02%) alleles from individuals of European background (Lek et al., 2016). The G213R variant is a non-conservative amino acid substitution, which is likely to impact secondary protein structure as these residues differ in polarity, charge, size and/or other properties. However, in-silico analyses, including protein predictors and evolutionary conservation, support that this variant does not alter protein structure/function. Therefore, based on the currently available information, it is unclear whether this variant is a pathogenic variant or a rare benign variant.

Genetic Services Laboratory, University of Chicago
Classification: Uncertain significance. Last evaluated: 2016-01-29. Review status: criteria provided, single submitter. Criteria: ACMG Guidelines, 2015. Collection method: clinical testing. Allele origin: germline. Affected: no.

NM_001330078.2(NRXN1):c.637G>A (p.Gly213Arg)

Gene: NRXN1 (neurexin 1; minus strand). Cytogenetic location: 2p16.3.
Variant type: single nucleotide variant.
Coding change: c.637G>A on transcript NM_001330078.2 (MANE Select); coding-DNA position 637, G replaced by A.
Protein change: p.Gly213Arg; replaces glycine 213 with arginine.
Molecular consequence: missense variant.
Genome position (GRCh38, 1-based): chr2:51,027,637, C>T on the plus strand (G>A on the coding strand, the complement: NRXN1 is on the minus strand). VCF-style: chr2-51027637-C-T. GRCh37 (hg19) VCF-style: chr2-51254775-C-T.
Other names: p.G213R:GGG>AGG; c.637G>A, p.Gly213Arg (NM_001135659.3, NM_001330077.2, NM_001330079.2 and 15 more transcripts); short protein forms G213R.
Identifiers: ClinVar variation 206256 (VCV000206256.15), dbSNP rs199561088, ClinGen allele CA316159.
Genomic context (GRCh38, chr2:51,027,637, plus strand): 5'-CACCTCCGTTGAGGCACACCCCGCCCTCGCCCTCCTCGCCCGCCTCGCACGGGCTTCCCC[C>T]GCCGCTGTTGGGCGGCTCATCGTCCAGCTTCACCTCGCCGCTGTCCACGGGCAGGACCTG-3'
Protein context (NP_001317007.1, residues 203-223): KLDDEPPNSG[Gly213Arg]GSPCEAGEEG